The following is an entry in ClinVar:

NM_004655.4(AXIN2):c.1757C>G (p.Thr586Arg)

Gene: AXIN2 (axin 2; minus strand). Cytogenetic location: 17q24.1.
Variant type: single nucleotide variant.
Coding change: c.1757C>G on transcript NM_004655.4 (MANE Select); coding-DNA position 1757, C replaced by G.
Protein change: p.Thr586Arg; replaces threonine 586 with arginine.
Molecular consequence: missense variant. On other transcripts: intron variant (1).
Genome position (GRCh38, 1-based): chr17:65,537,019, G>C on the plus strand (C>G on the coding strand, the complement: AXIN2 is on the minus strand). VCF-style: chr17-65537019-G-C. GRCh37 (hg19) VCF-style: chr17-63533137-G-C.
Other names: c.1757C>G (LRG_296t1); c.1712+305C>G (NM_001363813.1); short protein forms T586R.
Identifiers: ClinVar variation 664183 (VCV000664183.12), dbSNP rs1598097941, ClinGen allele CA400676679.

ClinVar aggregate classification (germline): Uncertain significance. Review status: criteria provided, multiple submitters, no conflicts (2 of 4 stars). 4 submissions from 4 submitters: Uncertain significance (4). Last evaluated 2025-12-31.

Conditions:
Oligodontia-cancer predisposition syndrome. Also called: TOOTH AGENESIS-COLORECTAL CANCER SYNDROME. Identifiers: Orphanet 300576, MedGen C1837750, MONDO:0012075, OMIM 608615. Disease mechanism: loss of function.
Colorectal cancer. Also called: Colorectal cancer, somatic; Malignant Colorectal Neoplasm. Identifiers: MedGen C0346629, MONDO:0005575, OMIM 114500.
Hereditary cancer-predisposing syndrome. Also called: Tumor predisposition; Hereditary neoplastic syndrome; Neoplastic Syndromes, Hereditary; Hereditary Cancer Syndrome. Identifiers: Orphanet 140162, MedGen C0027672, MeSH D009386, MONDO:0015356.

Allele frequency attached by ClinVar (database versions not stated): TOPMed below 0.00001; gnomAD 0.00001.
gnomAD v4.1: 2 of 1,610,462 alleles (0.00012%); highest among the groups gnomAD compares: Middle Eastern, 0.018%; no homozygotes.

Submissions (4):

Labcorp Genetics (formerly Invitae), Labcorp
Classification: Uncertain significance for Oligodontia-cancer predisposition syndrome. Last evaluated: 2025-12-31. Review status: criteria provided, single submitter. Criteria: Invitae Variant Classification Sherloc (09022015). Collection method: clinical testing. Allele origin: germline.
Comment: This sequence change replaces threonine, which is neutral and polar, with arginine, which is basic and polar, at codon 586 of the AXIN2 protein (p.Thr586Arg). This variant is not present in population databases (gnomAD no frequency). This variant has not been reported in the literature in individuals affected with AXIN2-related conditions. ClinVar contains an entry for this variant (Variation ID: 664183). Invitae Evidence Modeling of protein sequence and biophysical properties (such as structural, functional, and spatial information, amino acid conservation, physicochemical variation, residue mobility, and thermodynamic stability) indicates that this missense variant is not expected to disrupt AXIN2 protein function with a negative predictive value of 80%. Algorithms developed to predict the effect of sequence changes on RNA splicing suggest that this variant may disrupt the consensus splice site. In summary, the available evidence is currently insufficient to determine the role of this variant in disease. Therefore, it has been classified as a Variant of Uncertain Significance.

Ambry Genetics
Classification: Uncertain significance for Hereditary cancer-predisposing syndrome. Last evaluated: 2024-09-26. Review status: criteria provided, single submitter. Criteria: Ambry Variant Classification Scheme 2023. Collection method: clinical testing. Allele origin: germline.
Comment: The p.T586R variant (also known as c.1757C>G), located in coding exon 6 of the AXIN2 gene, results from a C to G substitution at nucleotide position 1757. The threonine at codon 586 is replaced by arginine, an amino acid with similar properties. This amino acid position is conserved. In addition, this alteration is predicted to be tolerated by in silico analysis. Since supporting evidence is limited at this time, the clinical significance of this alteration remains unclear.

Fulgent Genetics
Classification: Uncertain significance for Colorectal cancer; Oligodontia-cancer predisposition syndrome. Last evaluated: 2024-02-22. Review status: criteria provided, single submitter. Criteria: ACMG Guidelines, 2015. Collection method: clinical testing. Allele origin: germline.

GeneDx
Classification: Uncertain significance. Last evaluated: 2023-07-31. Review status: criteria provided, single submitter. Criteria: GeneDx Variant Classification Process June 2021. Collection method: clinical testing. Allele origin: germline. Affected: yes.
Comment: Not observed at significant frequency in large population cohorts (gnomAD); In silico analysis supports that this missense variant does not alter protein structure/function; Has not been previously published as pathogenic or benign to our knowledge